The following is an entry in ClinVar:

ClinVar aggregate classification (germline): Uncertain significance (1 of 4 stars; one submission).

Allele frequency attached by ClinVar (database versions not stated): gnomAD exomes below 0.00001.
gnomAD v4.1: 1 of 1,609,944 alleles (0.000062%); highest among the groups gnomAD compares: Non-Finnish European, 0.000085%; no homozygotes.

Submission:

Labcorp Genetics (formerly Invitae), Labcorp
Classification: Uncertain significance. Last evaluated: 2025-03-17. Review status: criteria provided, single submitter. Criteria: Invitae Variant Classification Sherloc (09022015). Collection method: clinical testing. Allele origin: germline.
Comment: This sequence change replaces proline, which is neutral and non-polar, with leucine, which is neutral and non-polar, at codon 310 of the AHDC1 protein (p.Pro310Leu). This variant is not present in population databases (gnomAD no frequency). This variant has not been reported in the literature in individuals affected with AHDC1-related conditions. ClinVar contains an entry for this variant (Variation ID: 1720126). An algorithm developed to predict the effect of missense changes on protein structure and function (PolyPhen-2) suggests that this variant is likely to be disruptive. In summary, the available evidence is currently insufficient to determine the role of this variant in disease. Therefore, it has been classified as a Variant of Uncertain Significance.

NM_001371928.1(AHDC1):c.929C>T (p.Pro310Leu)

Gene: AHDC1 (AT-hook DNA binding motif containing 1; minus strand). Cytogenetic location: 1p36.11.
Variant type: single nucleotide variant.
Coding change: c.929C>T on transcript NM_001371928.1 (MANE Select); coding-DNA position 929, C replaced by T.
Protein change: p.Pro310Leu; replaces proline 310 with leucine.
Molecular consequence: missense variant.
Genome position (GRCh38, 1-based): chr1:27,551,187, G>A on the plus strand (C>T on the coding strand, the complement: AHDC1 is on the minus strand). VCF-style: chr1-27551187-G-A. GRCh37 (hg19) VCF-style: chr1-27877698-G-A.
Other names: c.929C>T, p.Pro310Leu (NM_001029882.3); short protein forms P310L.
Identifiers: ClinVar variation 1720126 (VCV001720126.5), dbSNP rs2522056522, ClinGen allele CA339235723.